The following is an entry in ClinVar:

ClinVar aggregate classification (germline): Uncertain significance (1 of 4 stars; one submission).

Conditions:
Dilated cardiomyopathy 1J (CMD1J). Also called: CARDIOMYOPATHY, DILATED, WITH SENSORINEURAL HEARING LOSS, AUTOSOMAL DOMINANT. Identifiers: Orphanet 217622, MedGen C1854368, MONDO:0011541, OMIM 605362.

Allele frequency attached by ClinVar (database versions not stated): ExAC 0.00001; gnomAD 0.00001; gnomAD exomes 0.00001 and 0.00002; TOPMed 0.00002.
gnomAD v4.1: 5 of 1,613,838 alleles (0.00031%); highest among the groups gnomAD compares: East Asian, 0.011%; no homozygotes.

Submission:

Labcorp Genetics (formerly Invitae), Labcorp
Classification: Uncertain significance for Dilated cardiomyopathy 1J. Last evaluated: 2025-07-25. Review status: criteria provided, single submitter. Criteria: Invitae Variant Classification Sherloc (09022015). Collection method: clinical testing. Allele origin: germline.
Comment: This sequence change replaces glutamine, which is neutral and polar, with arginine, which is basic and polar, at codon 233 of the EYA4 protein (p.Gln233Arg). This variant is present in population databases (rs776882909, gnomAD 0.03%). This variant has not been reported in the literature in individuals affected with EYA4-related conditions. ClinVar contains an entry for this variant (Variation ID: 863088). Invitae Evidence Modeling of protein sequence and biophysical properties (such as structural, functional, and spatial information, amino acid conservation, physicochemical variation, residue mobility, and thermodynamic stability) indicates that this missense variant is not expected to disrupt EYA4 protein function with a negative predictive value of 80%. In summary, the available evidence is currently insufficient to determine the role of this variant in disease. Therefore, it has been classified as a Variant of Uncertain Significance.

NM_004100.5(EYA4):c.698A>G (p.Gln233Arg)

Gene: EYA4 (EYA transcriptional coactivator and phosphatase 4; plus strand). Cytogenetic location: 6q23.2.
Variant type: single nucleotide variant.
Coding change: c.698A>G on transcript NM_004100.5 (MANE Select); coding-DNA position 698, A replaced by G.
Protein change: p.Gln233Arg; replaces glutamine 233 with arginine.
Molecular consequence: missense variant.
Genome position (GRCh38, 1-based): chr6:133,462,738, A>G. VCF-style: chr6-133462738-A-G. GRCh37 (hg19) VCF-style: chr6-133783876-A-G.
Other names: c.536A>G, p.Gln179Arg (NM_001301012.2, NM_001370459.1); c.698A>G, p.Gln233Arg (NM_001301013.2, NM_172105.4); c.629A>G, p.Gln210Arg (NM_001370458.1, NM_172103.4); short protein forms Q210R, Q179R, Q233R.
Identifiers: ClinVar variation 863088 (VCV000863088.9), dbSNP rs776882909, ClinGen allele CA4008129.